The following is an entry in ClinVar:

NM_000169.3(GLA):c.347G>T (p.Gly116Val)

Genes: GLA (galactosidase alpha; minus strand), RPL36A-HNRNPH2 (RPL36A-HNRNPH2 readthrough; plus strand). Cytogenetic location: Xq22.1.
Variant type: single nucleotide variant.
Coding change: c.347G>T on transcript NM_000169.3 (MANE Select); coding-DNA position 347, G replaced by T.
Protein change: p.Gly116Val; replaces glycine 116 with valine.
Molecular consequence: missense variant. On other transcripts: non-coding transcript variant (3), intron variant (2).
Genome position (GRCh38, 1-based): chrX:101,403,833, C>A on the plus strand (G>T on the coding strand, the complement: GLA is on the minus strand). VCF-style: chrX-101403833-C-A. GRCh37 (hg19) VCF-style: chrX-100658821-C-A.
Other names: c.470G>T, p.Gly157Val (NM_001406747.1, NM_001406749.1); c.347G>T, p.Gly116Val (NM_001406748.1); c.301-8103C>A (NM_001199973.2); c.178-8103C>A (NM_001199974.2); short protein forms G116V, G157V.
Identifiers: ClinVar variation 4856602 (VCV004856602.1).

ClinVar aggregate classification (germline): Likely pathogenic (1 of 4 stars; one submission).

Conditions:
Fabry disease. Also called: Fabry's disease; GLA DEFICIENCY; HEREDITARY DYSTOPIC LIPIDOSIS; Ceramide trihexosidosis; Angiokeratoma corporis diffusum; ALPHA-GALACTOSIDASE A DEFICIENCY. Identifiers: Orphanet 324, MedGen C0002986, MONDO:0010526, OMIM 301500, HP:0001071. Disease mechanism: Fabry disease is due to inactivating mutations in the X-linked GLA gene resulting in deficiency of the enzyme Alpha Galactosidase-A., loss of function.

Submission:

Serv. Biochemistry and Molecular genetics, Hospital Clinic de Barcelona, Hospital Clínic de Barcelona
Classification: Likely pathogenic for Fabry disease. Last evaluated: 2026-05-21. Review status: criteria provided, single submitter. Criteria: ACMG Guidelines, 2015. Collection method: clinical testing. Allele origin: germline. Inheritance: X-linked inheritance. Affected: yes. Observed: 2 variant alleles.
Comment: Classification reported in the manuscript using ACMG criteria/in silico tools: Likely Pathogenic. Variant type: Missense; amino acid change: p.Gly116Val. Criteria: PM1, PM2, PP2, PP3